The following is an entry in ClinVar:

ClinVar aggregate classification (germline): Uncertain significance. Review status: criteria provided, multiple submitters, no conflicts (2 of 4 stars). 2 submissions from 2 submitters: Uncertain significance (2). Last evaluated 2023-06-26.

Conditions:
RYR1-related disorder. Also called: RYR1-related condition; RYR1-related disorders. Identifiers: MedGen CN239331.
Malignant hyperthermia, susceptibility to, 1 (MHS1). Also called: Anesthesia related hyperthermia; Malignant hyperpyrexia; Fulminating hyperpyrexia; Pharmacogenic myopathy; RYR1-Related Malignant Hyperthermia Susceptibility; Malignant hyperthermia suceptibility 1. Identifiers: Orphanet 423, MedGen C2930980, MONDO:0007783, OMIM 145600.

Allele frequency attached by ClinVar (database versions not stated): gnomAD exomes below 0.00001; TOPMed 0.00001.
gnomAD v4.1: 1 of 1,613,506 alleles (0.000062%); highest among the groups gnomAD compares: Non-Finnish European, 0.000085%; no homozygotes.

Submissions (2):

All of Us Research Program, National Institutes of Health
Classification: Uncertain significance for Malignant hyperthermia, susceptibility to, 1. Last evaluated: 2023-06-26. Review status: criteria provided, single submitter. Criteria: ACMG Guidelines, 2015. Collection method: clinical testing. Allele origin: germline. Inheritance: Autosomal dominant inheritance. Observed: 2 variant alleles, 2 heterozygotes.
Comment: This missense variant replaces isoleucine with leucine at codon 585 of the RYR1 protein. Computational prediction suggests that this variant may have deleterious impact on protein structure and function (internally defined REVEL score threshold >= 0.7, PMID: 27666373). To our knowledge, functional studies have not been reported for this variant. This variant has not been reported in individuals affected with RYR1-related disorders in the literature. This variant has not been identified in the general population by the Genome Aggregation Database (gnomAD). The available evidence is insufficient to determine the role of this variant in disease conclusively. Therefore, this variant is classified as a Variant of Uncertain Significance.

This study involves interpretation of variants in research participants for the purpose of population health screening. Participant phenotype was not available at the time of variant classification. Additional details can be found in publication PMID: 35346344, PMCID: PMC8962531

Labcorp Genetics (formerly Invitae), Labcorp
Classification: Uncertain significance for RYR1-related disorder. Last evaluated: 2022-10-13. Review status: criteria provided, single submitter. Criteria: Invitae Variant Classification Sherloc (09022015). Collection method: clinical testing. Allele origin: germline.
Comment: This sequence change replaces isoleucine, which is neutral and non-polar, with leucine, which is neutral and non-polar, at codon 585 of the RYR1 protein (p.Ile585Leu). This variant is not present in population databases (gnomAD no frequency). This variant has not been reported in the literature in individuals affected with RYR1-related conditions. Advanced modeling of protein sequence and biophysical properties (such as structural, functional, and spatial information, amino acid conservation, physicochemical variation, residue mobility, and thermodynamic stability) has been performed at Invitae for this missense variant, however the output from this modeling did not meet the statistical confidence thresholds required to predict the impact of this variant on RYR1 protein function. In summary, the available evidence is currently insufficient to determine the role of this variant in disease. Therefore, it has been classified as a Variant of Uncertain Significance.

NM_000540.3(RYR1):c.1753A>C (p.Ile585Leu)

Gene: RYR1 (ryanodine receptor 1; plus strand). Cytogenetic location: 19q13.2.
Variant type: single nucleotide variant.
Coding change: c.1753A>C on transcript NM_000540.3 (MANE Select); coding-DNA position 1753, A replaced by C.
Protein change: p.Ile585Leu; replaces isoleucine 585 with leucine.
Molecular consequence: missense variant.
Genome position (GRCh38, 1-based): chr19:38,455,713, A>C. VCF-style: chr19-38455713-A-C. GRCh37 (hg19) VCF-style: chr19-38946353-A-C.
Other names: c.1753A>C, p.Ile585Leu (NM_001042723.2); short protein forms I585L.
Identifiers: ClinVar variation 2173572 (VCV002173572.2), dbSNP rs200770015, ClinGen allele CA405691608.
Genomic context (GRCh38, chr19:38,455,713, plus strand): 5'-TGTGTCCTCATTGAGAGTCCAGAGGTTCTGAACATCATCCAGGAGAATCACATCAAGTCC[A>C]TCATCTCCCTCCTGGACAAGCATGGGAGGAACCACAAGGTCGGCCCCTCACCCCTGACCT-3'
Protein context (NP_000531.2, residues 575-595): NIIQENHIKS[Ile585Leu]ISLLDKHGRN